The following is an entry in ClinVar:

NM_001347702.2(SYNE1):c.1446A>G (p.Val482=)

Gene: SYNE1 (spectrin repeat containing nuclear envelope protein 1; minus strand). Cytogenetic location: 6q25.2.
Variant type: single nucleotide variant.
Coding change: c.1446A>G on transcript NM_001347702.2 (MANE Plus Clinical); coding-DNA position 1446, A replaced by G.
Protein change: p.Val482=; no amino-acid change (valine 482 retained).
Molecular consequence: synonymous variant. On other transcripts: intron variant (2).
Genome position (GRCh38, 1-based): chr6:152,145,551, T>C on the plus strand (A>G on the coding strand, the complement: SYNE1 is on the minus strand). VCF-style: chr6-152145551-T-C. GRCh37 (hg19) VCF-style: chr6-152466686-T-C.
Other names: c.24768A>G, p.Val8256= (NM_033071.5); c.24977-1786A>G (NM_182961.4); c.1583-1786A>G (NM_001347701.2).
Identifiers: ClinVar variation 290397 (VCV000290397.43), dbSNP rs377088951, ClinGen allele CA4053027.

ClinVar aggregate classification (germline): Conflicting classifications of pathogenicity. Review status: criteria provided, conflicting classifications (1 of 4 stars). 8 submissions from 7 submitters: Uncertain significance (2); Benign (1); Likely benign (5). Last evaluated 2025-12-15.

Conditions:
Emery-Dreifuss muscular dystrophy 4, autosomal dominant (EDMD4). Also called: EMERY-DREIFUSS MUSCULAR DYSTROPHY 4 WITH VARIABLE FEATURES. Identifiers: Orphanet 261, MedGen C2751807, MONDO:0013071, OMIM 612998.
Autosomal recessive ataxia, Beauce type. Also called: SYNE1 Deficiency; SYNE1-Related Autosomal Recessive Cerebellar Ataxia; ATAXIA, RECESSIVE, OF BEAUCE; Spinocerebellar ataxia, autosomal recessive 8. Identifiers: Orphanet 88644, MedGen C1853116, MONDO:0012549, OMIM 610743.

Allele frequency attached by ClinVar (database versions not stated): ESP Exome Variant Server 0.00008; ExAC 0.00013; gnomAD 0.00015 and 0.00016; gnomAD exomes 0.00016 and 0.00017; TOPMed 0.00019.
gnomAD v4.1: 265 of 1,613,878 alleles (0.016%); highest among the groups gnomAD compares: Admixed American, 0.053%; no homozygotes.

Submissions (8):

Labcorp Genetics (formerly Invitae), Labcorp
Classification: Likely benign for Emery-Dreifuss muscular dystrophy 4, autosomal dominant; Autosomal recessive ataxia, Beauce type. Last evaluated: 2025-12-15. Review status: criteria provided, single submitter. Criteria: Invitae Variant Classification Sherloc (09022015). Collection method: clinical testing. Allele origin: germline.

Blueprint Genetics
Classification: Likely benign. Last evaluated: 2024-11-01. Review status: criteria provided, single submitter. Criteria: ACMG Guidelines, 2015. Collection method: clinical testing. Allele origin: germline.

CeGaT Center for Human Genetics Tuebingen
Classification: Likely benign. Last evaluated: 2024-01-01. Review status: criteria provided, single submitter. Criteria: CeGaT Center For Human Genetics Tuebingen Variant Classification Criteria Version 2. Collection method: clinical testing. Allele origin: germline. Affected: yes. Observed: 2 variant alleles.
Comment: SYNE1: BP4, BP7

GeneDx
Classification: Likely benign. Last evaluated: 2020-05-05. Review status: criteria provided, single submitter. Criteria: GeneDx Variant Classification Process June 2021. Collection method: clinical testing. Allele origin: germline. Affected: yes.

Athena Diagnostics
Classification: Likely benign. Last evaluated: 2019-10-25. Review status: criteria provided, single submitter. Criteria: Athena Diagnostics Criteria. Collection method: clinical testing. Allele origin: unknown.

Eurofins Ntd Llc (ga)
Classification: Uncertain significance. Last evaluated: 2018-06-20. Review status: criteria provided, single submitter. Criteria: EGL ClinVar v180209 classification definitions. Collection method: clinical testing. Allele origin: germline. Observed: 2 variant alleles, 2 heterozygotes.

Illumina Laboratory Services, Illumina
Classification: Benign for Emery-Dreifuss muscular dystrophy 4, autosomal dominant. Last evaluated: 2018-01-13. Review status: criteria provided, single submitter. Criteria: ICSL Variant Classification Criteria 13 December 2019. Collection method: clinical testing. Allele origin: germline.
Comment: This variant was observed in the ICSL laboratory as part of a predisposition screen in an ostensibly healthy population. It had not been previously curated by ICSL or reported in the Human Gene Mutation Database (HGMD: prior to June 1st, 2018), and was therefore a candidate for classification through an automated scoring system. Utilizing variant allele frequency, disease prevalence and penetrance estimates, and inheritance mode, an automated score was calculated to assess if this variant is too frequent to cause the disease. Based on the score and internal cut-off values, a variant classified as benign is not then subjected to further curation. The score for this variant resulted in a classification of benign for this disease.

Illumina Laboratory Services, Illumina
Classification: Uncertain significance for Autosomal recessive ataxia, Beauce type. Last evaluated: 2018-01-13. Review status: criteria provided, single submitter. Criteria: ICSL Variant Classification Criteria 13 December 2019. Collection method: clinical testing. Allele origin: germline.